The following is an entry in ClinVar:

ClinVar aggregate classification (germline): Uncertain significance (1 of 4 stars; one submission).

Submission:

Women's Health and Genetics/Laboratory Corporation of America, LabCorp
Classification: Uncertain significance. Last evaluated: 2022-11-19. Review status: criteria provided, single submitter. Criteria: LabCorp Variant Classification Summary - May 2015. Collection method: clinical testing. Allele origin: germline.
Comment: Variant summary: RNASEH2B c.816_817delTG (p.Glu273LysfsX4) results in a premature termination codon, predicted to cause a truncation of the encoded protein or absence of the protein due to nonsense mediated decay, which are commonly known mechanisms for disease. At-least one truncation downstream of this position, that resulted in an extension of the protein reading frame have been observed and classified as benign at our laboratory. The variant was absent in 250064 control chromosomes. The available data on variant occurrences in the general population are insufficient to allow any conclusion about variant significance. To our knowledge, no occurrence of c.816_817delTG in individuals affected with Aicardi Goutieres Syndrome and no experimental evidence demonstrating its impact on protein function have been reported. No clinical diagnostic laboratories have submitted clinical-significance assessments for this variant to ClinVar after 2014. Based on the evidence outlined above, the variant was classified as uncertain significance.

NM_024570.4(RNASEH2B):c.816_817del (p.Glu273fs)

Gene: RNASEH2B (ribonuclease H2 subunit B; plus strand). Cytogenetic location: 13q14.3.
Variant type: Deletion.
Coding change: c.816_817del on transcript NM_024570.4 (MANE Select); coding-DNA positions 816 to 817, 2 bases deleted (TG; older notation c.816_817delTG).
Protein change: p.Glu273fs; shifts the reading frame from glutamic acid 273.
Molecular consequence: frameshift variant. On other transcripts: intron variant (1).
Genome position (GRCh38, 1-based): chr13:50,953,979-50,953,980, TG deleted. VCF-style (leftmost placement, unchanged base first): chr13-50953978-CTG-C. GRCh37 (hg19) VCF-style: chr13-51528114-CTG-C.
Other names: c.741+4474_741+4475del (NM_001142279.2); short protein forms E273fs.
Identifiers: ClinVar variation 1804832 (VCV001804832.1), dbSNP rs2541544013, ClinGen allele CA2580087635.